The following is an entry in ClinVar:

ClinVar aggregate classification (germline): Uncertain significance. Review status: criteria provided, multiple submitters, no conflicts (2 of 4 stars). 2 submissions from 2 submitters: Uncertain significance (2). Last evaluated 2025-08-27.

Allele frequency attached by ClinVar (database versions not stated): ExAC 0.00004; TOPMed 0.00004; gnomAD 0.00006; ESP Exome Variant Server 0.00023.
gnomAD v4.1: 16 of 1,614,048 alleles (0.00099%); highest among the groups gnomAD compares: African/African-American, 0.011%; no homozygotes.

Submissions (2):

Ambry Genetics
Classification: Uncertain significance. Last evaluated: 2025-08-27. Review status: criteria provided, single submitter. Criteria: Ambry Variant Classification Scheme 2023. Collection method: clinical testing. Allele origin: germline.

Labcorp Genetics (formerly Invitae), Labcorp
Classification: Uncertain significance. Last evaluated: 2025-07-13. Review status: criteria provided, single submitter. Criteria: Invitae Variant Classification Sherloc (09022015). Collection method: clinical testing. Allele origin: germline.
Comment: This sequence change replaces glutamine, which is neutral and polar, with lysine, which is basic and polar, at codon 1033 of the NIN protein (p.Gln1033Lys). This variant is present in population databases (rs375143648, gnomAD 0.02%). This variant has not been reported in the literature in individuals affected with NIN-related conditions. ClinVar contains an entry for this variant (Variation ID: 2078804). An algorithm developed to predict the effect of missense changes on protein structure and function (PolyPhen-2) suggests that this variant is likely to be tolerated. In summary, the available evidence is currently insufficient to determine the role of this variant in disease. Therefore, it has been classified as a Variant of Uncertain Significance.

NM_020921.4(NIN):c.3097C>A (p.Gln1033Lys)

Gene: NIN (ninein; minus strand). Cytogenetic location: 14q22.1.
Variant type: single nucleotide variant.
Coding change: c.3097C>A on transcript NM_020921.4 (MANE Select); coding-DNA position 3097, C replaced by A.
Protein change: p.Gln1033Lys; replaces glutamine 1033 with lysine.
Molecular consequence: missense variant. On other transcripts: intron variant (1).
Genome position (GRCh38, 1-based): chr14:50,757,933, G>T on the plus strand (C>A on the coding strand, the complement: NIN is on the minus strand). VCF-style: chr14-50757933-G-T. GRCh37 (hg19) VCF-style: chr14-51224651-G-T.
Other names: c.3097C>A, p.Gln1033Lys (NM_182944.3, NM_182946.2); c.2399+1924C>A (NM_016350.5); short protein forms Q1033K.
Identifiers: ClinVar variation 2078804 (VCV002078804.6), dbSNP rs375143648, ClinGen allele CA7181804.